The following is an entry in ClinVar:

NM_006757.4(TNNT3):c.68-2A>G

Gene: TNNT3 (troponin T3, fast skeletal type; plus strand). Cytogenetic location: 11p15.5.
Variant type: single nucleotide variant.
Coding change: c.68-2A>G on transcript NM_006757.4 (MANE Select); the canonical splice acceptor site of the intron before coding-DNA position 68, A replaced by G.
Molecular consequence: splice acceptor variant. On other transcripts: intron variant (8).
Genome position (GRCh38, 1-based): chr11:1,926,693, A>G. VCF-style: chr11-1926693-A-G. GRCh37 (hg19) VCF-style: chr11-1947923-A-G.
Other names: c.68-2A>G (NM_001297646.2, NM_001042780.3, NM_001042782.3 and 1 more transcripts); c.101-2A>G (NM_001367846.1, NM_001363561.2, NM_001367847.1); c.100+212A>G (NM_001042781.3, NM_001367843.1, NM_001367842.1); c.89-2A>G (NM_001367848.1); c.82+212A>G (NM_001367845.1); c.50-3117A>G (NM_001367850.1); c.-98-3117A>G (NM_001367851.1); c.70+1417A>G (NM_001367849.1); and 1 more.
Identifiers: ClinVar variation 1921574 (VCV001921574.5), dbSNP rs2494490382, ClinGen allele CA379095628.

ClinVar aggregate classification (germline): Uncertain significance (1 of 4 stars; one submission).

Allele frequency attached by ClinVar (database versions not stated): gnomAD exomes below 0.00001.
gnomAD v4.1: 1 of 1,613,426 alleles (0.000062%); highest among the groups gnomAD compares: African/African-American, 0.0013%; no homozygotes.

Submission:

Labcorp Genetics (formerly Invitae), Labcorp
Classification: Uncertain significance. Last evaluated: 2022-03-19. Review status: criteria provided, single submitter. Criteria: Invitae Variant Classification Sherloc (09022015). Collection method: clinical testing. Allele origin: germline.
Comment: This variant is not present in population databases (gnomAD no frequency). This sequence change affects an acceptor splice site in intron 5 of the TNNT3 gene. It is expected to disrupt RNA splicing. Variants that disrupt the donor or acceptor splice site typically lead to a loss of protein function (PMID: 16199547), however the current clinical and genetic evidence is not sufficient to establish whether loss-of-function variants in TNNT3 cause disease. In summary, the available evidence is currently insufficient to determine the role of this variant in disease. Therefore, it has been classified as a Variant of Uncertain Significance. Algorithms developed to predict the effect of sequence changes on RNA splicing suggest that this variant may disrupt the consensus splice site. This variant has not been reported in the literature in individuals affected with TNNT3-related conditions.

Literature cited by the submitters: PubMed 16199547.